The following is an entry in ClinVar:

ClinVar aggregate classification (germline): Uncertain significance (1 of 4 stars; one submission).

Allele frequency attached by ClinVar (database versions not stated): gnomAD exomes below 0.00001.
gnomAD v4.1: 1 of 1,551,634 alleles (0.000064%); highest among the groups gnomAD compares: Non-Finnish European, 0.000087%; no homozygotes.

Submission:

Labcorp Genetics (formerly Invitae), Labcorp
Classification: Uncertain significance. Last evaluated: 2022-08-22. Review status: criteria provided, single submitter. Criteria: Invitae Variant Classification Sherloc (09022015). Collection method: clinical testing. Allele origin: germline.
Comment: In summary, the available evidence is currently insufficient to determine the role of this variant in disease. Therefore, it has been classified as a Variant of Uncertain Significance. Algorithms developed to predict the effect of missense changes on protein structure and function are either unavailable or do not agree on the potential impact of this missense change (SIFT: "Deleterious"; PolyPhen-2: "Probably Damaging"; Align-GVGD: "Class C0"). This variant has not been reported in the literature in individuals affected with KPNA7-related conditions. This variant is not present in population databases (gnomAD no frequency). This sequence change replaces leucine, which is neutral and non-polar, with proline, which is neutral and non-polar, at codon 249 of the KPNA7 protein (p.Leu249Pro).

NM_001145715.3(KPNA7):c.746T>C (p.Leu249Pro)

Gene: KPNA7 (karyopherin subunit alpha 7; minus strand). Cytogenetic location: 7q22.1.
Variant type: single nucleotide variant.
Coding change: c.746T>C on transcript NM_001145715.3 (MANE Select); coding-DNA position 746, T replaced by C.
Protein change: p.Leu249Pro; replaces leucine 249 with proline.
Molecular consequence: missense variant.
Genome position (GRCh38, 1-based): chr7:99,188,454, A>G on the plus strand (T>C on the coding strand, the complement: KPNA7 is on the minus strand). VCF-style: chr7-99188454-A-G. GRCh37 (hg19) VCF-style: chr7-98786077-A-G.
Other names: short protein forms L249P.
Identifiers: ClinVar variation 1940128 (VCV001940128.5), dbSNP rs2535462060, ClinGen allele CA368419885.